The following is an entry in ClinVar:

NM_001854.4(COL11A1):c.611C>A (p.Thr204Lys)

Gene: COL11A1 (collagen type XI alpha 1 chain; minus strand). Cytogenetic location: 1p21.1.
Variant type: single nucleotide variant.
Coding change: c.611C>A on transcript NM_001854.4 (MANE Select); coding-DNA position 611, C replaced by A.
Protein change: p.Thr204Lys; replaces threonine 204 with lysine.
Molecular consequence: missense variant. On other transcripts: non-coding transcript variant (1).
Genome position (GRCh38, 1-based): chr1:103,074,658, G>T on the plus strand (C>A on the coding strand, the complement: COL11A1 is on the minus strand). VCF-style: chr1-103074658-G-T. GRCh37 (hg19) VCF-style: chr1-103540214-G-T.
Other names: c.611C>A, p.Thr204Lys (NM_001190709.2, NM_080629.3, NM_080630.4); short protein forms T204K.
Identifiers: ClinVar variation 1307776 (VCV001307776.2), dbSNP rs199595073, ClinGen allele CA341166248.
Genomic context (GRCh38, chr1:103,074,658, plus strand): 5'-AGAGTTGGATTTATTTTTACCTCAAAAACTTCTTCATCCAAAATCCTTGTTCCAAAAACC[G>T]TGATTCCATTGGTATCAACAATTGCTCTCTCACTTCTATCAAGTGGTTTCGTGGTTTTCT-3'
Protein context (NP_001845.3, residues 194-214): ERAIVDTNGI[Thr204Lys]VFGTRILDEE

ClinVar aggregate classification (germline): Uncertain significance (1 of 4 stars; one submission).

Submission:

GeneDx
Classification: Uncertain significance. Last evaluated: 2020-02-17. Review status: criteria provided, single submitter. Criteria: GeneDx Variant Classification Process June 2021. Collection method: clinical testing. Allele origin: germline. Affected: yes.
Comment: Not observed in large population cohorts (Lek et al., 2016); In silico analysis, which includes protein predictors and evolutionary conservation, supports a deleterious effect; Has not been previously published as pathogenic or benign to our knowledge